The following is an entry in ClinVar:

NM_152281.3(GORAB):c.795_796delinsAC (p.Lys266Gln)

Gene: GORAB (golgin, RAB6 interacting; plus strand). Cytogenetic location: 1q24.2.
Variant type: Indel.
Coding change: c.795_796delinsAC on transcript NM_152281.3 (MANE Select); coding-DNA positions 795 to 796, GA replaced by AC.
Protein change: p.Lys266Gln; replaces lysine 266 with glutamine.
Molecular consequence: missense variant. On other transcripts: non-coding transcript variant (1).
Genome position (GRCh38, 1-based): chr1:170,552,147-170,552,148, GA replaced by AC. VCF-style: chr1-170552147-GA-AC. GRCh37 (hg19) VCF-style: chr1-170521288-GA-AC.
Other names: c.330_331delinsAC, p.Lys111Gln (NM_001320252.2); short protein forms K111Q, K266Q.
Identifiers: ClinVar variation 1014570 (VCV001014570.4), dbSNP rs1650155719, ClinGen allele CA1206556269.

ClinVar aggregate classification (germline): Uncertain significance (1 of 4 stars; one submission).

Submission:

Labcorp Genetics (formerly Invitae), Labcorp
Classification: Uncertain significance. Last evaluated: 2026-01-19. Review status: criteria provided, single submitter. Criteria: Invitae Variant Classification Sherloc (09022015). Collection method: clinical testing. Allele origin: germline.
Comment: This sequence change replaces lysine, which is basic and polar, with glutamine, which is neutral and polar, at codon 291 of the GORAB protein (p.Lys291Gln). Information on the frequency of this variant in the gnomAD database is not available, as this variant may be reported differently in the database. This variant has not been reported in the literature in individuals affected with GORAB-related conditions. ClinVar contains an entry for this variant (Variation ID: 1014570). Experimental studies and prediction algorithms are not available or were not evaluated, and the functional significance of this variant is currently unknown. In summary, the available evidence is currently insufficient to determine the role of this variant in disease. Therefore, it has been classified as a Variant of Uncertain Significance.